The following is an entry in ClinVar:

ClinVar aggregate classification (germline): Uncertain significance (1 of 4 stars; one submission).

Conditions:
Cardiovascular phenotype. Identifiers: MedGen CN230736.

Allele frequency attached by ClinVar (database versions not stated): gnomAD exomes below 0.00001.
gnomAD v4.1: 1 of 1,550,374 alleles (0.000065%); highest among the groups gnomAD compares: South Asian, 0.0012%; no homozygotes.

Submission:

Ambry Genetics
Classification: Uncertain significance for Cardiovascular phenotype. Last evaluated: 2023-09-23. Review status: criteria provided, single submitter. Criteria: Ambry Variant Classification Scheme 2023. Collection method: clinical testing. Allele origin: germline.
Comment: The p.V271I variant (also known as c.811G>A), located in coding exon 1 of the ZNF469 gene, results from a G to A substitution at nucleotide position 811. The valine at codon 271 is replaced by isoleucine, an amino acid with highly similar properties. This amino acid position is conserved. In addition, this alteration is predicted to be tolerated by in silico analysis. Since supporting evidence is limited at this time, the clinical significance of this alteration remains unclear.

NM_001367624.2(ZNF469):c.811G>A (p.Val271Ile)

Gene: ZNF469 (zinc finger protein 469; plus strand). Cytogenetic location: 16q24.2.
Variant type: single nucleotide variant.
Coding change: c.811G>A on transcript NM_001367624.2 (MANE Select); coding-DNA position 811, G replaced by A.
Protein change: p.Val271Ile; replaces valine 271 with isoleucine.
Molecular consequence: missense variant.
Genome position (GRCh38, 1-based): chr16:88,428,281, G>A. VCF-style: chr16-88428281-G-A. GRCh37 (hg19) VCF-style: chr16-88494689-G-A.
Other names: NM_001127464.1:c.811G>A; short protein forms V271I.
Identifiers: ClinVar variation 3232861 (VCV003232861.1), dbSNP rs1905845383, ClinGen allele CA397062002.